The following is an entry in ClinVar:

NM_002439.5(MSH3):c.1569-4A>G

Gene: MSH3 (mutS homolog 3; plus strand). Cytogenetic location: 5q14.1.
Variant type: single nucleotide variant.
Coding change: c.1569-4A>G on transcript NM_002439.5 (MANE Select); 4 bases into the intron before coding-DNA position 1569, A replaced by G.
Molecular consequence: intron variant.
Genome position (GRCh38, 1-based): chr5:80,741,460, A>G. VCF-style: chr5-80741460-A-G. GRCh37 (hg19) VCF-style: chr5-80037279-A-G.
Other names: c.1569-4A>G (NM_002439.4).
Identifiers: ClinVar variation 1087108 (VCV001087108.12), dbSNP rs1331321777, ClinGen allele CA814465228.

ClinVar aggregate classification (germline): Conflicting classifications of pathogenicity. Review status: criteria provided, conflicting classifications (1 of 4 stars). 3 submissions from 3 submitters: Uncertain significance (1); Likely benign (2). Last evaluated 2025-08-21.

Conditions:
Hereditary cancer-predisposing syndrome. Also called: Hereditary Cancer Syndrome; Neoplastic Syndromes, Hereditary; Hereditary neoplastic syndrome; Tumor predisposition. Identifiers: Orphanet 140162, MedGen C0027672, MeSH D009386, MONDO:0015356.

Allele frequency attached by ClinVar (database versions not stated): TOPMed below 0.00001.
gnomAD v4.1: 10 of 1,536,002 alleles (0.00065%); highest among the groups gnomAD compares: Non-Finnish European, 0.0009%; no homozygotes.

Submissions (3):

Labcorp Genetics (formerly Invitae), Labcorp
Classification: Likely benign. Last evaluated: 2025-08-21. Review status: criteria provided, single submitter. Criteria: Invitae Variant Classification Sherloc (09022015). Collection method: clinical testing. Allele origin: germline.

Quest Diagnostics Nichols Institute San Juan Capistrano
Classification: Uncertain significance. Last evaluated: 2025-04-25. Review status: criteria provided, single submitter. Criteria: Quest Diagnostics criteria. Collection method: clinical testing. Allele origin: unknown.
Comment: The MSH3 c.1569-4A>G variant has not been reported in individuals with MSH3-related conditions in the published literature. It also has not been reported in large, multi-ethnic general populations (Genome Aggregation Database). Analysis of this variant using software algorithms for the prediction of the effect of nucleotide changes on splicing yielded predictions that this variant does not affect MSH3 mRNA splicing. Based on the available information, we are unable to determine the clinical significance of this variant.

Ambry Genetics
Classification: Likely benign for Hereditary cancer-predisposing syndrome. Last evaluated: 2023-01-30. Review status: criteria provided, single submitter. Criteria: Ambry Variant Classification Scheme 2023. Collection method: clinical testing. Allele origin: germline.